The following is an entry in ClinVar:

ClinVar aggregate classification (germline): Uncertain significance. Review status: criteria provided, multiple submitters, no conflicts (2 of 4 stars). 2 submissions from 2 submitters: Uncertain significance (2). Last evaluated 2025-06-23.

Conditions:
Inborn genetic diseases. Identifiers: MedGen C0950123, MeSH D030342.
Reticular dysgenesis. Also called: ALEUKOCYTOSIS; CONGENITAL ALEUKIA; HEMATOPOIETIC HYPOPLASIA, GENERALIZED; RETICULAR DYSGENESIA; SEVERE COMBINED IMMUNODEFICIENCY WITH LEUKOPENIA; DeVaal disease. Identifiers: Orphanet 33355, MedGen C0272167, MONDO:0009973, OMIM 267500.

Allele frequency attached by ClinVar (database versions not stated): gnomAD exomes 0.00001 and 0.00002; ExAC 0.00002; gnomAD 0.00003; TOPMed 0.00003.
gnomAD v4.1: 13 of 1,613,798 alleles (0.00081%); highest among the groups gnomAD compares: African/African-American, 0.0027%; no homozygotes.

Submissions (2):

Labcorp Genetics (formerly Invitae), Labcorp
Classification: Uncertain significance for Reticular dysgenesis. Last evaluated: 2025-06-23. Review status: criteria provided, single submitter. Criteria: Invitae Variant Classification Sherloc (09022015). Collection method: clinical testing. Allele origin: germline.
Comment: This sequence change replaces leucine, which is neutral and non-polar, with valine, which is neutral and non-polar, at codon 224 of the AK2 protein (p.Leu224Val). This variant is present in population databases (rs771562640, gnomAD 0.004%). This variant has not been reported in the literature in individuals affected with AK2-related conditions. ClinVar contains an entry for this variant (Variation ID: 567959). An algorithm developed to predict the effect of missense changes on protein structure and function (PolyPhen-2) suggests that this variant is likely to be tolerated. In summary, the available evidence is currently insufficient to determine the role of this variant in disease. Therefore, it has been classified as a Variant of Uncertain Significance.

Ambry Genetics
Classification: Uncertain significance for Inborn genetic diseases. Last evaluated: 2024-08-27. Review status: criteria provided, single submitter. Criteria: Ambry Variant Classification Scheme 2023. Collection method: clinical testing. Allele origin: germline.

NM_001625.4(AK2):c.670C>G (p.Leu224Val)

Gene: AK2 (adenylate kinase 2; minus strand). Cytogenetic location: 1p35.1.
Variant type: single nucleotide variant.
Coding change: c.670C>G on transcript NM_001625.4 (MANE Select); coding-DNA position 670, C replaced by G.
Protein change: p.Leu224Val; replaces leucine 224 with valine.
Molecular consequence: missense variant. On other transcripts: 3 prime UTR variant (1), non-coding transcript variant (1).
Genome position (GRCh38, 1-based): chr1:33,013,231, G>C on the plus strand (C>G on the coding strand, the complement: AK2 is on the minus strand). VCF-style: chr1-33013231-G-C. GRCh37 (hg19) VCF-style: chr1-33478832-G-C.
Other names: c.646C>G, p.Leu216Val (NM_001199199.3); c.526C>G, p.Leu176Val (NM_001319139.3, NM_001319140.2); c.670C>G, p.Leu224Val (NM_001319141.3, NM_013411.5); c.544C>G, p.Leu182Val (NM_001319142.3); c.*173C>G (NM_001319143.2); short protein forms L224V, L182V, L216V, L176V.
Identifiers: ClinVar variation 567959 (VCV000567959.9), dbSNP rs771562640, ClinGen allele CA747031.